The following is an entry in ClinVar:

NM_001035.3(RYR2):c.3067-1G>A

Gene: RYR2 (ryanodine receptor 2; plus strand). Cytogenetic location: 1q43.
Variant type: single nucleotide variant.
Coding change: c.3067-1G>A on transcript NM_001035.3 (MANE Select); the canonical splice acceptor site of the intron before coding-DNA position 3067, G replaced by A.
Molecular consequence: splice acceptor variant.
Genome position (GRCh38, 1-based): chr1:237,550,543, G>A. VCF-style: chr1-237550543-G-A. GRCh37 (hg19) VCF-style: chr1-237713843-G-A.
Identifiers: ClinVar variation 1723332 (VCV001723332.1), dbSNP rs2148112234, ClinGen allele CA345394426.

ClinVar aggregate classification (germline): Uncertain significance (1 of 4 stars; one submission).

Submission:

Women's Health and Genetics/Laboratory Corporation of America, LabCorp
Classification: Uncertain significance. Last evaluated: 2022-10-18. Review status: criteria provided, single submitter. Criteria: LabCorp Variant Classification Summary - May 2015. Collection method: clinical testing. Allele origin: germline.
Comment: Variant summary: RYR2 c.3067-1G>A is located in a canonical splice-site and is predicted to affect mRNA splicing resulting in a significantly altered protein due to either exon skipping, shortening, or inclusion of intronic material. Several computational tools predict a significant impact on normal splicing: Four predict the variant abolishes a canonical 3' acceptor site, and three predict the variant creates a new cryptic exonic 3' acceptor site. However, these predictions have yet to be confirmed by functional studies. The variant was absent in 240824 control chromosomes. The available data on variant occurrences in the general population are insufficient to allow any conclusion about variant significance. To our knowledge, no occurrence of c.3067-1G>A in individuals affected with Catecholaminergic Polymorphic Ventricular Tachycardia and no experimental evidence demonstrating its impact on protein function have been reported. No clinical diagnostic laboratories have submitted clinical-significance assessments for this variant to ClinVar after 2014. Based on the evidence outlined above, the variant was classified as uncertain significance.